The following is an entry in ClinVar:

NM_004360.5(CDH1):c.1948_1949del (p.Ile650fs)

Gene: CDH1 (cadherin 1; plus strand). Cytogenetic location: 16q22.1.
Variant type: Deletion.
Coding change: c.1948_1949del on transcript NM_004360.5 (MANE Select); coding-DNA positions 1948 to 1949, 2 bases deleted (AT; older notation c.1948_1949delAT).
Protein change: p.Ile650fs; shifts the reading frame from isoleucine 650.
Molecular consequence: frameshift variant. On other transcripts: 5 prime UTR variant (1).
Genome position (GRCh38, 1-based): chr16:68,823,410-68,823,411, AT deleted; deleting any 2 consecutive bases within chr16:68,823,409-68,823,411 gives the same sequence; the c. name uses the placement nearest the transcript's 3' end. VCF-style (leftmost placement, unchanged base first): chr16-68823408-CTA-C. GRCh37 (hg19) VCF-style: chr16-68857311-CTA-C.
Other names: NM_004360.5(CDH1):c.1948_1949del; p.Ile650fs; c.1948_1949del (LRG_301t1); c.1765_1766del, p.Ile589fs (NM_001317184.2); c.400_401del, p.Ile134fs (NM_001317185.2); c.-18_-17del (NM_001317186.2); short protein forms I650fs, I134fs, I589fs.
Identifiers: ClinVar variation 483276 (VCV000483276.7), dbSNP rs1555517074, ClinGen allele CA658658495.

ClinVar aggregate classification (germline): Pathogenic. Review status: reviewed by expert panel (3 of 4 stars). 3 submissions from 3 submitters: Pathogenic (1). 2 of the submissions do not count toward it. Last evaluated 2023-08-04.

Conditions:
CDH1-related diffuse gastric and lobular breast cancer syndrome. Also called: CDH1-related diffuse gastric and lobular breast cancer. Identifiers: MedGen CN311521, MONDO:0100488.
Hereditary cancer-predisposing syndrome. Also called: Hereditary neoplastic syndrome; Neoplastic Syndromes, Hereditary; Tumor predisposition; Hereditary Cancer Syndrome. Identifiers: Orphanet 140162, MedGen C0027672, MeSH D009386, MONDO:0015356.
Hereditary diffuse gastric adenocarcinoma (HDGC). Also called: DIFFUSE GASTRIC AND LOBULAR BREAST CANCER SYNDROME. Identifiers: Orphanet 26106, MedGen C1708349, MONDO:0007648, OMIM 137215.

Submissions (3):

Clingen Gastric Cancer Variant Curation Expert Panel
Classification: Pathogenic for CDH1-related diffuse gastric and lobular breast cancer syndrome. Last evaluated: 2023-08-04. Review status: reviewed by expert panel. Criteria: ClinGen CDH1 ACMG Specifications V3.1. Collection method: curation. Allele origin: germline. Inheritance: Autosomal dominant inheritance.
Comment: The c.1948_1949del p.(Ile650fs) variant is predicted to result in a premature stop codon that leads to nonsense mediate decay (PVS1 and PM5_supporting). The variant is absent in the gnomAD cohort (PM2_supporting). Therefore, this variant meets criteria to be classified as pathogenic based on the ACMG/AMP criteria applied as specified by the CDH1 Variant Curation Expert Panel (CDH1 VCEP specifications version 3.1): PVS1, PM2_supporting, PM5_supporting.

Myriad Genetics, Inc.
Classification: Pathogenic for Hereditary diffuse gastric adenocarcinoma. Last evaluated: 2023-06-14. Review status: criteria provided, single submitter. Criteria: Myriad Autosomal Dominant, Autosomal Recessive and X-Linked Classification Criteria (2023). Collection method: clinical testing. Allele origin: unknown. Not counted in ClinVar's aggregate classification.
Comment: This variant is considered pathogenic. This variant creates a frameshift predicted to result in premature protein truncation.

Ambry Genetics
Classification: Pathogenic for Hereditary cancer-predisposing syndrome. Last evaluated: 2022-05-24. Review status: criteria provided, single submitter. Criteria: Ambry Variant Classification Scheme 2023. Collection method: clinical testing. Allele origin: germline. Not counted in ClinVar's aggregate classification.
Comment: The c.1948_1949delAT pathogenic mutation, located in coding exon 13 of the CDH1 gene, results from a deletion of two nucleotides at nucleotide positions 1948 to 1949, causing a translational frameshift with a predicted alternate stop codon (p.I650Hfs*12). This alteration is expected to result in loss of function by premature protein truncation or nonsense-mediated mRNA decay. As such, this alteration is interpreted as a disease-causing mutation.